The following is an entry in ClinVar:

ClinVar aggregate classification (germline): Likely benign. Review status: criteria provided, multiple submitters, no conflicts (2 of 4 stars). 3 submissions from 3 submitters: Likely benign (3). Last evaluated 2025-12-08.

Conditions:
Autosomal recessive spinocerebellar ataxia 12. Also called: SPINOCEREBELLAR ATAXIA WITH MENTAL RETARDATION AND EPILEPSY. Identifiers: Orphanet 284282, MedGen C3280452, MONDO:0013687, OMIM 614322.
Developmental and epileptic encephalopathy, 1 (DEE1). Also called: X-linked infantile spasms; West's syndrome; Tonic spasms with clustering, arrest of psychomotor development and hypsarrhythmia on EEG; X-Linked Infantile Spasm Syndrome; OHTAHARA SYNDROME, X-LINKED; INFANTILE SPASM SYNDROME, X-LINKED 1. Identifiers: MedGen C3463992, MONDO:0010632, OMIM 308350. Disease mechanism: loss of function.

Allele frequency attached by ClinVar (database versions not stated): ExAC 0.00011; gnomAD 0.00018 and 0.00021; TOPMed 0.00021; ESP Exome Variant Server 0.00024.
gnomAD v4.1: 398 of 1,614,080 alleles (0.025%); highest among the groups gnomAD compares: Non-Finnish European, 0.031%; 1 homozygote.

Submissions (3):

Labcorp Genetics (formerly Invitae), Labcorp
Classification: Likely benign for Developmental and epileptic encephalopathy, 1; Autosomal recessive spinocerebellar ataxia 12. Last evaluated: 2025-12-08. Review status: criteria provided, single submitter. Criteria: Invitae Variant Classification Sherloc (09022015). Collection method: clinical testing. Allele origin: germline.

Blueprint Genetics
Classification: Likely benign. Last evaluated: 2024-10-24. Review status: criteria provided, single submitter. Criteria: ACMG Guidelines, 2015. Collection method: clinical testing. Allele origin: germline.

GeneDx
Classification: Likely benign. Last evaluated: 2017-12-04. Review status: criteria provided, single submitter. Criteria: GeneDx Variant Classification (06012015). Collection method: clinical testing. Allele origin: germline. Affected: yes.
Comment: This variant is considered likely benign or benign based on one or more of the following criteria: it is a conservative change, it occurs at a poorly conserved position in the protein, it is predicted to be benign by multiple in silico algorithms, and/or has population frequency not consistent with disease.

NM_016373.4(WWOX):c.1179G>A (p.Thr393=)

Genes: MAF (MAF bZIP transcription factor; minus strand), WWOX (WW domain containing oxidoreductase; plus strand). Cytogenetic location: 16q23.2.
Variant type: single nucleotide variant.
Coding change: c.1179G>A on transcript NM_016373.4 (MANE Select); coding-DNA position 1179, G replaced by A.
Protein change: p.Thr393=; no amino-acid change (threonine 393 retained).
Molecular consequence: synonymous variant.
Genome position (GRCh38, 1-based): chr16:79,211,730, G>A. VCF-style: chr16-79211730-G-A. GRCh37 (hg19) VCF-style: chr16-79245627-G-A.
Other names: c.840G>A, p.Thr280= (NM_001291997.2).
Identifiers: ClinVar variation 382145 (VCV000382145.13), dbSNP rs376293017, ClinGen allele CA8183778.
Genomic context (GRCh38, chr16:79,211,730, plus strand): 5'-GATGTACTTCAACAACTGCTGCCGCTGCATGCCCTCACCAGAAGCTCAGAGCGAAGAGAC[G>A]GCCCGGACCCTGTGGGCGCTCAGCGAGAGGCTGATCCAAGAACGGCTTGGCAGCCAGTCC-3'
Protein context (NP_057457.1, residues 383-403): MPSPEAQSEE[Thr393=]ARTLWALSER